The following is an entry in ClinVar:

NM_024675.4(PALB2):c.2575T>A (p.Ser859Thr)

Gene: PALB2 (partner and localizer of BRCA2; minus strand). Cytogenetic location: 16p12.2.
Variant type: single nucleotide variant.
Coding change: c.2575T>A on transcript NM_024675.4 (MANE Select); coding-DNA position 2575, T replaced by A.
Protein change: p.Ser859Thr; replaces serine 859 with threonine.
Molecular consequence: missense variant.
Genome position (GRCh38, 1-based): chr16:23,629,215, A>T on the plus strand (T>A on the coding strand, the complement: PALB2 is on the minus strand). VCF-style: chr16-23629215-A-T. GRCh37 (hg19) VCF-style: chr16-23640536-A-T.
Other names: c.2515T>A, p.Ser839Thr (NM_001407296.1); c.2575T>A, p.Ser859Thr (NM_001407298.1, NM_001407299.1, NM_001407300.1 and 2 more transcripts); c.1690T>A, p.Ser564Thr (NM_001407304.1, NM_001407305.1, NM_001407306.1 and 5 more transcripts); c.787T>A, p.Ser263Thr (NM_001407312.1, NM_001407313.1); c.109T>A, p.Ser37Thr (NM_001407314.1); short protein forms S263T, S839T, S564T, S37T, S859T.
Identifiers: ClinVar variation 1793304 (VCV001793304.2), dbSNP rs2142367840, ClinGen allele CA395123681.

ClinVar aggregate classification (germline): Uncertain significance (1 of 4 stars; one submission).

Conditions:
Hereditary cancer-predisposing syndrome. Also called: Tumor predisposition; Hereditary Cancer Syndrome; Neoplastic Syndromes, Hereditary; Hereditary neoplastic syndrome. Identifiers: Orphanet 140162, MedGen C0027672, MeSH D009386, MONDO:0015356.

Submission:

Ambry Genetics
Classification: Uncertain significance for Hereditary cancer-predisposing syndrome. Last evaluated: 2021-10-27. Review status: criteria provided, single submitter. Criteria: Ambry Variant Classification Scheme 2023. Collection method: clinical testing. Allele origin: germline.
Comment: The p.S859T variant (also known as c.2575T>A), located in coding exon 6 of the PALB2 gene, results from a T to A substitution at nucleotide position 2575. The serine at codon 859 is replaced by threonine, an amino acid with similar properties. This amino acid position is conserved. In addition, this alteration is predicted to be tolerated by in silico analysis. Since supporting evidence is limited at this time, the clinical significance of this alteration remains unclear.